The following is an entry in ClinVar:

ClinVar aggregate classification (germline): Benign/Likely benign. Review status: criteria provided, multiple submitters, no conflicts (2 of 4 stars). 2 submissions from 2 submitters: Benign (1); Likely benign (1). Last evaluated 2024-03-22.

Conditions:
Hereditary cancer-predisposing syndrome. Also called: Tumor predisposition; Hereditary neoplastic syndrome; Hereditary Cancer Syndrome; Neoplastic Syndromes, Hereditary. Identifiers: Orphanet 140162, MedGen C0027672, MeSH D009386, MONDO:0015356.
Familial adenomatous polyposis 1 (FAP1). Also called: FAMILIAL ADENOMATOUS POLYPOSIS 1, ATTENUATED; POLYPOSIS, ADENOMATOUS INTESTINAL. Identifiers: MedGen C2713442, MONDO:0021056, OMIM 175100. Disease mechanism: loss of function.

Submissions (2):

Myriad Genetics, Inc.
Classification: Benign for Familial adenomatous polyposis 1. Last evaluated: 2024-03-22. Review status: criteria provided, single submitter. Criteria: Myriad Autosomal Dominant, Autosomal Recessive and X-Linked Classification Criteria (2023). Collection method: clinical testing. Allele origin: unknown.
Comment: This variant is considered benign. This variant is a silent/synonymous amino acid change and it is not expected to impact splicing.

Color Diagnostics, LLC DBA Color Health
Classification: Likely benign for Hereditary cancer-predisposing syndrome. Last evaluated: 2020-12-11. Review status: criteria provided, single submitter. Criteria: ACMG Guidelines, 2015. Collection method: clinical testing. Allele origin: germline.

NM_000038.6(APC):c.3858A>G (p.Glu1286=)

Gene: APC (APC regulator of Wnt signaling pathway; plus strand). Cytogenetic location: 5q22.2.
Variant type: single nucleotide variant.
Coding change: c.3858A>G on transcript NM_000038.6 (MANE Select); coding-DNA position 3858, A replaced by G.
Protein change: p.Glu1286=; no amino-acid change (glutamic acid 1286 retained).
Molecular consequence: synonymous variant.
Genome position (GRCh38, 1-based): chr5:112,839,452, A>G. VCF-style: chr5-112839452-A-G. GRCh37 (hg19) VCF-style: chr5-112175149-A-G.
Other names: c.3858A>G, p.Glu1286= (NM_001127510.3, NM_001354895.2); c.3804A>G, p.Glu1268= (NM_001127511.3); c.3912A>G, p.Glu1304= (NM_001354896.2); c.3888A>G, p.Glu1296= (NM_001354897.2); c.3783A>G, p.Glu1261= (NM_001354898.2); c.3774A>G, p.Glu1258= (NM_001354899.2); c.3735A>G, p.Glu1245= (NM_001354900.2); c.3681A>G, p.Glu1227= (NM_001354901.2); and 5 more.
Identifiers: ClinVar variation 1171629 (VCV001171629.3), dbSNP rs2149900613, ClinGen allele CA445963747.
Genomic context (GRCh38, chr5:112,839,452, plus strand): 5'-TACTCCAATATGTTTTTCAAGATGTAGTTCATTATCATCTTTGTCATCAGCTGAAGATGA[A>G]ATAGGATGTAATCAGACGACACAGGAAGCAGATTCTGCTAATACCCTGCAAATAGCAGAA-3'
Protein context (NP_000029.2, residues 1276-1296): SLSSLSSAED[Glu1286=]IGCNQTTQEA